The following is an entry in ClinVar:

ClinVar aggregate classification (germline): Uncertain significance (1 of 4 stars; one submission).

Conditions:
Primary ciliary dyskinesia 23 (CILD23). Also called: CILIARY DYSKINESIA, PRIMARY, 23, WITH OR WITHOUT SITUS INVERSUS. Identifiers: Orphanet 244, MedGen C3809548, MONDO:0014193, OMIM 615451.

gnomAD v4.1: 1 of 1,609,286 alleles (0.000062%); no homozygotes.

Submission:

Labcorp Genetics (formerly Invitae), Labcorp
Classification: Uncertain significance for Primary ciliary dyskinesia 23. Last evaluated: 2019-03-25. Review status: criteria provided, single submitter. Criteria: Invitae Variant Classification Sherloc (09022015). Collection method: clinical testing. Allele origin: germline.
Comment: This sequence change replaces glutamine with leucine at codon 177 of the ARMC4 protein (p.Gln177Leu). The glutamine residue is highly conserved and there is a moderate physicochemical difference between glutamine and leucine. This variant is not present in population databases (ExAC no frequency). This variant has not been reported in the literature in individuals with ARMC4-related conditions. Algorithms developed to predict the effect of missense changes on protein structure and function are either unavailable or do not agree on the potential impact of this missense change (SIFT: "Deleterious"; PolyPhen-2: "Benign"; Align-GVGD: "Class C0"). In summary, the available evidence is currently insufficient to determine the role of this variant in disease. Therefore, it has been classified as a Variant of Uncertain Significance.

NM_018076.5(ODAD2):c.530A>T (p.Gln177Leu)

Gene: ODAD2 (outer dynein arm docking complex subunit 2; minus strand). Cytogenetic location: 10p12.1.
Variant type: single nucleotide variant.
Coding change: c.530A>T on transcript NM_018076.5 (MANE Select); coding-DNA position 530, A replaced by T.
Protein change: p.Gln177Leu; replaces glutamine 177 with leucine.
Molecular consequence: missense variant.
Genome position (GRCh38, 1-based): chr10:27,985,064, T>A on the plus strand (A>T on the coding strand, the complement: ODAD2 is on the minus strand). VCF-style: chr10-27985064-T-A. GRCh37 (hg19) VCF-style: chr10-28273993-T-A.
Other names: c.530A>T, p.Gln177Leu (NM_001290020.2); short protein forms Q177L.
Identifiers: ClinVar variation 859078 (VCV000859078.1), dbSNP rs1849791282, ClinGen allele CA376397024.